The following is an entry in ClinVar:

ClinVar aggregate classification (germline): Uncertain significance. Review status: criteria provided, multiple submitters, no conflicts (2 of 4 stars). 2 submissions from 2 submitters: Uncertain significance (2). Last evaluated 2023-09-12.

Conditions:
Inborn genetic diseases. Identifiers: MedGen C0950123, MeSH D030342.

Allele frequency attached by ClinVar (database versions not stated): TOPMed below 0.00001.

Submissions (2):

Ambry Genetics
Classification: Uncertain significance for Inborn genetic diseases. Last evaluated: 2023-09-12. Review status: criteria provided, single submitter. Criteria: Ambry Variant Classification Scheme 2023. Collection method: clinical testing. Allele origin: germline.

Labcorp Genetics (formerly Invitae), Labcorp
Classification: Uncertain significance. Last evaluated: 2022-06-12. Review status: criteria provided, single submitter. Criteria: Invitae Variant Classification Sherloc (09022015). Collection method: clinical testing. Allele origin: germline.
Comment: This sequence change replaces leucine, which is neutral and non-polar, with phenylalanine, which is neutral and non-polar, at codon 561 of the TPP1 protein (p.Leu561Phe). This variant is present in population databases (no rsID available, gnomAD 0.0009%). This variant has not been reported in the literature in individuals affected with TPP1-related conditions. Advanced modeling of protein sequence and biophysical properties (such as structural, functional, and spatial information, amino acid conservation, physicochemical variation, residue mobility, and thermodynamic stability) performed at Invitae indicates that this missense variant is not expected to disrupt TPP1 protein function. In summary, the available evidence is currently insufficient to determine the role of this variant in disease. Therefore, it has been classified as a Variant of Uncertain Significance.

NM_000391.4(TPP1):c.1681C>T (p.Leu561Phe)

Gene: TPP1 (tripeptidyl peptidase 1; minus strand). Cytogenetic location: 11p15.4.
Variant type: single nucleotide variant.
Coding change: c.1681C>T on transcript NM_000391.4 (MANE Select); coding-DNA position 1681, C replaced by T.
Protein change: p.Leu561Phe; replaces leucine 561 with phenylalanine.
Molecular consequence: missense variant.
Genome position (GRCh38, 1-based): chr11:6,614,557, G>A on the plus strand (C>T on the coding strand, the complement: TPP1 is on the minus strand). VCF-style: chr11-6614557-G-A. GRCh37 (hg19) VCF-style: chr11-6635788-G-A.
Other names: c.1681C>T (NM_000391.3); short protein forms L561F.
Identifiers: ClinVar variation 2150607 (VCV002150607.3), dbSNP rs566120191, ClinGen allele CA379471939.